The following is an entry in ClinVar:

NM_032040.5(CCDC8):c.1254G>T (p.Arg418Ser)

Gene: CCDC8 (coiled-coil domain containing 8 subunit of 3M complex; minus strand). Cytogenetic location: 19q13.32.
Variant type: single nucleotide variant.
Coding change: c.1254G>T on transcript NM_032040.5 (MANE Select); coding-DNA position 1254, G replaced by T.
Protein change: p.Arg418Ser; replaces arginine 418 with serine.
Molecular consequence: missense variant.
Genome position (GRCh38, 1-based): chr19:46,411,557, C>A on the plus strand (G>T on the coding strand, the complement: CCDC8 is on the minus strand). VCF-style: chr19-46411557-C-A. GRCh37 (hg19) VCF-style: chr19-46914814-C-A.
Other names: short protein forms R418S.
Identifiers: ClinVar variation 2068835 (VCV002068835.4), dbSNP rs1305148913, ClinGen allele CA406459332.
Genomic context (GRCh38, chr19:46,411,557, plus strand): 5'-TGCCCTCTGGCCAGCCCGGGCCTGTGCCCTCTGATTATCTGCACCCTGGACAGCTGGGGC[C>A]CTTTCCCTCTGGTCATGTACGGCCTCTTCCCTTTGATTATCTGTAACCTCTGACCCCTGG-3'
Protein context (NP_114429.2, residues 408-428): REEAVHDQRE[Arg418Ser]APAVQGADNQ

ClinVar aggregate classification (germline): Uncertain significance (1 of 4 stars; one submission).

Allele frequency attached by ClinVar (database versions not stated): TOPMed below 0.00001.

Submission:

Labcorp Genetics (formerly Invitae), Labcorp
Classification: Uncertain significance. Last evaluated: 2024-12-16. Review status: criteria provided, single submitter. Criteria: Invitae Variant Classification Sherloc (09022015). Collection method: clinical testing. Allele origin: germline.
Comment: This sequence change replaces arginine, which is basic and polar, with serine, which is neutral and polar, at codon 418 of the CCDC8 protein (p.Arg418Ser). This variant is not present in population databases (gnomAD no frequency). This variant has not been reported in the literature in individuals affected with CCDC8-related conditions. ClinVar contains an entry for this variant (Variation ID: 2068835). An algorithm developed to predict the effect of missense changes on protein structure and function (PolyPhen-2) suggests that this variant is likely to be tolerated. In summary, the available evidence is currently insufficient to determine the role of this variant in disease. Therefore, it has been classified as a Variant of Uncertain Significance.